The following is an entry in ClinVar:

ClinVar aggregate classification (germline): Benign/Likely benign. Review status: criteria provided, multiple submitters, no conflicts (2 of 4 stars). 4 submissions from 4 submitters: Benign (1); Likely benign (3). Last evaluated 2026-02-02.

Conditions:
BAP1-related tumor predisposition syndrome (TPDS1). Also called: COMMON Syndrome; TUMOR PREDISPOSITION SYNDROME 1; BAP1 tumor predisposition syndrome; Tumor susceptibility linked to germline BAP1 mutations. Identifiers: Orphanet 289539, MedGen C3280492, MONDO:0013692, OMIM 614327.
Hereditary cancer-predisposing syndrome. Also called: Neoplastic Syndromes, Hereditary; Hereditary Cancer Syndrome; Hereditary neoplastic syndrome; Tumor predisposition. Identifiers: Orphanet 140162, MedGen C0027672, MeSH D009386, MONDO:0015356.

Submissions (4):

Labcorp Genetics (formerly Invitae), Labcorp
Classification: Likely benign for BAP1-related tumor predisposition syndrome. Last evaluated: 2026-02-02. Review status: criteria provided, single submitter. Criteria: Invitae Variant Classification Sherloc (09022015). Collection method: clinical testing. Allele origin: germline.

Myriad Genetics, Inc.
Classification: Benign for BAP1-related tumor predisposition syndrome. Last evaluated: 2024-07-15. Review status: criteria provided, single submitter. Criteria: Myriad Autosomal Dominant, Autosomal Recessive and X-Linked Classification Criteria (2023). Collection method: clinical testing. Allele origin: unknown.
Comment: This variant is considered benign. This variant is a silent/synonymous amino acid change and it is not expected to impact splicing.

Ambry Genetics
Classification: Likely benign for Hereditary cancer-predisposing syndrome. Last evaluated: 2021-11-30. Review status: criteria provided, single submitter. Criteria: Ambry Variant Classification Scheme 2023. Collection method: clinical testing. Allele origin: germline.

Color Diagnostics, LLC DBA Color Health
Classification: Likely benign for Hereditary cancer-predisposing syndrome. Last evaluated: 2019-12-17. Review status: criteria provided, single submitter. Criteria: ACMG Guidelines, 2015. Collection method: clinical testing. Allele origin: germline.

NM_004656.4(BAP1):c.1029C>T (p.Leu343=)

Gene: BAP1 (BRCA1 associated deubiquitinase 1; minus strand). Cytogenetic location: 3p21.1.
Variant type: single nucleotide variant.
Coding change: c.1029C>T on transcript NM_004656.4 (MANE Select); coding-DNA position 1029, C replaced by T.
Protein change: p.Leu343=; no amino-acid change (leucine 343 retained).
Molecular consequence: synonymous variant.
Genome position (GRCh38, 1-based): chr3:52,405,197, G>A on the plus strand (C>T on the coding strand, the complement: BAP1 is on the minus strand). VCF-style: chr3-52405197-G-A. GRCh37 (hg19) VCF-style: chr3-52439213-G-A.
Identifiers: ClinVar variation 539936 (VCV000539936.13), dbSNP rs1553645304, ClinGen allele CA433774931.